The following is an entry in ClinVar:

ClinVar aggregate classification (germline): Uncertain significance. Review status: criteria provided, multiple submitters, no conflicts (2 of 4 stars). 2 submissions from 2 submitters: Uncertain significance (2). Last evaluated 2022-03-08.

Conditions:
Inborn genetic diseases. Identifiers: MedGen C0950123, MeSH D030342.

Submissions (2):

Labcorp Genetics (formerly Invitae), Labcorp
Classification: Uncertain significance. Last evaluated: 2022-03-08. Review status: criteria provided, single submitter. Criteria: Invitae Variant Classification Sherloc (09022015). Collection method: clinical testing. Allele origin: germline.
Comment: This sequence change replaces methionine, which is neutral and non-polar, with leucine, which is neutral and non-polar, at codon 867 of the CENPJ protein (p.Met867Leu). This variant is not present in population databases (gnomAD no frequency). This variant has not been reported in the literature in individuals affected with CENPJ-related conditions. Algorithms developed to predict the effect of missense changes on protein structure and function (SIFT, PolyPhen-2, Align-GVGD) all suggest that this variant is likely to be tolerated. In summary, the available evidence is currently insufficient to determine the role of this variant in disease. Therefore, it has been classified as a Variant of Uncertain Significance.

Ambry Genetics
Classification: Uncertain significance for Inborn genetic diseases. Last evaluated: 2020-12-29. Review status: criteria provided, single submitter. Criteria: Ambry Variant Classification Scheme 2023. Collection method: clinical testing. Allele origin: germline.
Comment: The c.2599A>T (p.M867L) alteration is located in exon 7 (coding exon 6) of the CENPJ gene. This alteration results from a A to T substitution at nucleotide position 2599, causing the methionine (M) at amino acid position 867 to be replaced by a leucine (L). The p.M867L alteration is predicted to be tolerated by in silico analysis. Based on insufficient or conflicting evidence, the clinical significance of this alteration remains unclear.

NM_018451.5(CPAP):c.2599A>T (p.Met867Leu)

Gene: CPAP (centrosome assembly and centriole elongation protein; minus strand). Cytogenetic location: 13q12.13.
Variant type: single nucleotide variant.
Coding change: c.2599A>T on transcript NM_018451.5 (MANE Select); coding-DNA position 2599, A replaced by T.
Protein change: p.Met867Leu; replaces methionine 867 with leucine.
Molecular consequence: missense variant. On other transcripts: non-coding transcript variant (2).
Genome position (GRCh38, 1-based): chr13:24,905,439, T>A on the plus strand (A>T on the coding strand, the complement: CPAP is on the minus strand). VCF-style: chr13-24905439-T-A. GRCh37 (hg19) VCF-style: chr13-25479577-T-A.
Other names: c.2599A>T (NM_018451.3); short protein forms M867L.
Identifiers: ClinVar variation 1421448 (VCV001421448.7), dbSNP rs1954504595, ClinGen allele CA387584443.
Genomic context (GRCh38, chr13:24,905,439, plus strand): 5'-GTTCATTTCCCAAGTGTGAATCTGACTTTGGTTTTGGTTTCAAAGAAGGAAAGAATTTCA[T>A]CATCAGCTCCGATGTAGGAGGACTTCTGCTCCTCCTGGACTTGCTCAAGTCTTCTCCCCT-3'
Protein context (NP_060921.3, residues 857-877): SRSPPTSELM[Met867Leu]KFFPSLKPKP